The following is an entry in ClinVar:

NM_018006.5(TRMU):c.718C>G (p.Arg240Gly)

Gene: TRMU (tRNA mitochondrial 2-thiouridylase; plus strand). Cytogenetic location: 22q13.31.
Variant type: single nucleotide variant.
Coding change: c.718C>G on transcript NM_018006.5 (MANE Select); coding-DNA position 718, C replaced by G.
Protein change: p.Arg240Gly; replaces arginine 240 with glycine.
Molecular consequence: missense variant. On other transcripts: non-coding transcript variant (2).
Genome position (GRCh38, 1-based): chr22:46,352,276, C>G. VCF-style: chr22-46352276-C-G. GRCh37 (hg19) VCF-style: chr22-46748173-C-G.
Other names: c.376C>G, p.Arg126Gly (NM_001282782.2); c.298C>G, p.Arg100Gly (NM_001282783.2, NM_001282784.2); c.718C>G, p.Arg240Gly (NM_001282785.2); short protein forms R100G, R126G, R240G.
Identifiers: ClinVar variation 3774783 (VCV003774783.1).

ClinVar aggregate classification (germline): Uncertain significance (1 of 4 stars; one submission).

gnomAD v4.1: 4 of 1,614,134 alleles (0.00025%); highest among the groups gnomAD compares: Non-Finnish European, 0.00034%; no homozygotes.

Submission:

GeneDx
Classification: Uncertain significance. Last evaluated: 2024-09-27. Review status: criteria provided, single submitter. Criteria: GeneDx Variant Classification Process June 2021. Collection method: clinical testing. Allele origin: germline. Affected: yes.
Comment: Not observed at significant frequency in large population cohorts (gnomAD); In silico analysis supports that this missense variant has a deleterious effect on protein structure/function; Has not been previously published as pathogenic or benign to our knowledge